The following is an entry in ClinVar:

NM_000053.4(ATP7B):c.3091A>G (p.Thr1031Ala)

Gene: ATP7B (ATPase copper transporting beta; minus strand). Cytogenetic location: 13q14.3.
Variant type: single nucleotide variant.
Coding change: c.3091A>G on transcript NM_000053.4 (MANE Select); coding-DNA position 3091, A replaced by G.
Protein change: p.Thr1031Ala; replaces threonine 1031 with alanine.
Molecular consequence: missense variant. On other transcripts: intron variant (1).
Genome position (GRCh38, 1-based): chr13:51,944,261, T>C on the plus strand (A>G on the coding strand, the complement: ATP7B is on the minus strand). VCF-style: chr13-51944261-T-C. GRCh37 (hg19) VCF-style: chr13-52518397-T-C.
Other names: c.2470A>G, p.Thr824Ala (NM_001005918.3); c.2758A>G, p.Thr920Ala (NM_001243182.2); c.2857A>G, p.Thr953Ala (NM_001330578.2, NM_001406538.1, NM_001406527.1 and 1 more transcripts); c.2839A>G, p.Thr947Ala (NM_001330579.2, NM_001406531.1, NM_001406532.1); c.3091A>G, p.Thr1031Ala (NM_001406511.1, NM_001406526.1, NM_001406512.1); c.2761A>G, p.Thr921Ala (NM_001406536.1, NM_001406535.1); c.2752A>G, p.Thr918Ala (NM_001406537.1); c.2662A>G, p.Thr888Ala (NM_001406539.1); and 19 more; short protein forms T1013A, T1020A, T1029A, T1031A, T601A, T750A, T804A, T815A.
Identifiers: ClinVar variation 4063582 (VCV004063582.3).
Genomic context (GRCh38, chr13:51,944,261, plus strand): 5'-GTGTGGCCACATCCCCCAGCAGGAGCACCCGCATGACCCTGGGGACGCCATGGGTAATGG[T>C]GCCAGTCTTGTCAAACATCACAGTCTTTATCTGCCAAAAACAACCACAACTCACTGACCA-3'
Protein context (NP_000044.2, residues 1021-1041): IKTVMFDKTG[Thr1031Ala]ITHGVPRVMR

ClinVar aggregate classification (germline): Likely pathogenic. Review status: criteria provided, multiple submitters, no conflicts (2 of 4 stars). 2 submissions from 2 submitters: Likely pathogenic (2). Last evaluated 2025-11-07.

Conditions:
Wilson disease (WND). Also called: Wilson's disease. Identifiers: Orphanet 905, MedGen C0019202, MONDO:0010200, OMIM 277900. Disease mechanism: loss of function.

Submissions (2):

Natera, Inc.
Classification: Likely pathogenic for Wilson disease. Last evaluated: 2025-11-07. Review status: criteria provided, single submitter. Criteria: Natera Variant Classification Schema (03/2026). Collection method: clinical testing. Allele origin: germline.
Comment: The c.3091A>G variant in ATP7B is a missense variant predicted to cause substitution of threonine to alanine at amino acid 1031. This variant is rare in the general population with a frequency below the threshold expected for the associated phenotype(s). This variant has been observed in one or more individuals affected with the associated recessive disease, as either homozygous or compound heterozygous with a second variant (PMID: 17587212). Functional studies show that this variant may disrupt protein function (PMID: 17587212). Computational prediction algorithms indicate this variant is likely to affect gene or protein function. Given the available evidence, this variant is classified as Likely Pathogenic.

Revvity Omics, Revvity
Classification: Likely pathogenic for Wilson disease. Last evaluated: 2025-05-19. Review status: criteria provided, single submitter. Criteria: ACMG Guidelines, 2015. Collection method: clinical testing. Allele origin: germline.

Literature cited by the submitters: PubMed 17587212 (cited by Natera, Inc.).